The following is an entry in ClinVar:

NM_178821.3(DAW1):c.859-2A>G

Gene: DAW1 (dynein assembly factor with WD repeats 1; plus strand). Cytogenetic location: 2q36.3.
Variant type: single nucleotide variant.
Coding change: c.859-2A>G on transcript NM_178821.3 (MANE Select); the canonical splice acceptor site of the intron before coding-DNA position 859, A replaced by G.
Molecular consequence: splice acceptor variant.
Genome position (GRCh38, 1-based): chr2:227,907,136, A>G. VCF-style: chr2-227907136-A-G. GRCh37 (hg19) VCF-style: chr2-228771852-A-G.
Other names: c.814-2A>G (NM_001330004.2).
Identifiers: ClinVar variation 4890844 (VCV004890844.1).
Genomic context (GRCh38, chr2:227,907,136, plus strand): 5'-TTCACACTTCAGACAGAAAGTCATAGTCTTTTTTTTTTTGTTTTTTGTTCTTTTAATTGT[A>G]GCTGTGGGATGCTACAAATGGAAAATGTGTGGCAACCTTAACAGGCCATGATGATGAAAT-3'

ClinVar aggregate classification (germline): Likely pathogenic (1 of 4 stars; one submission).

Conditions:
Fetal anomalies with a likely genetic cause.

gnomAD v4.1: 8 of 1,595,546 alleles (0.0005%); highest among the groups gnomAD compares: South Asian, 0.0068%; no homozygotes.

Submission:

Genetics Laboratory, Great Ormond Street Hospital NHS Foundation Trust, North Thames Genomic Laboratory Hub
Classification: Likely pathogenic for Fetal anomalies with a likely genetic cause. Last evaluated: 2026-07-14. Review status: criteria provided, single submitter. Criteria: ACGS Best Practice Guidelines for Variant Classification in Rare Disease 2024 v1.2. Collection method: clinical testing. Allele origin: germline. Affected: yes.
Comment: PM2_moderate, PVS1_strong